The following is an entry in ClinVar:

ClinVar aggregate classification (germline): Uncertain significance. Review status: criteria provided, multiple submitters, no conflicts (2 of 4 stars). 2 submissions from 2 submitters: Uncertain significance (2). Last evaluated 2026-01-07.

Conditions:
Hereditary sensory and autonomic neuropathy type 6. Also called: HSAN VI; Neuropathy, hereditary sensory and autonomic, type VI. Identifiers: Orphanet 314381, MedGen C3539003, MONDO:0013839, OMIM 614653.
Epidermolysis bullosa simplex 3, localized or generalized intermediate, with BP230 deficiency (EBS3). Also called: Epidermolysis bullosa simplex, autosomal recessive 2; Epidermolysis bullosa simplex due to BP230 deficiency. Identifiers: Orphanet 412181, MedGen C3809470, MONDO:0014180, OMIM 615425.

Allele frequency attached by ClinVar (database versions not stated): gnomAD 0.00001; gnomAD exomes below 0.00001 and 0.00001; TOPMed 0.00002.
gnomAD v4.1: 17 of 1,614,072 alleles (0.0011%); highest among the groups gnomAD compares: Middle Eastern, 0.016%; no homozygotes.

Submissions (2):

Dasa
Classification: Uncertain significance. Last evaluated: 2026-01-07. Review status: criteria provided, single submitter. Criteria: DASA Assertion Criteria. Collection method: clinical testing. Allele origin: germline.
Comment: NM_001723.7(DST):c.5087G>A (p.Arg1696Gln) is a missense variant that results in the substitution of arginine with glutamine. This variant is rare in population databases. Computational prediction algorithms are consistent with a benign effect. The currently available literature and clinical evidence are not sufficient to establish a definitive association between this variant and the reported condition. Therefore, this variant is classified as a variant of uncertain significance.

Labcorp Genetics (formerly Invitae), Labcorp
Classification: Uncertain significance for Epidermolysis bullosa simplex 3, localized or generalized intermediate, with BP230 deficiency; Hereditary sensory and autonomic neuropathy type 6. Last evaluated: 2019-06-28. Review status: criteria provided, single submitter. Criteria: Invitae Variant Classification Sherloc (09022015). Collection method: clinical testing. Allele origin: germline.
Comment: Algorithms developed to predict the effect of missense changes on protein structure and function do not agree on the potential impact of this missense change (SIFT: "Tolerated"; PolyPhen-2: "Possibly Damaging"; Align-GVGD: "Class C0"). This sequence change replaces arginine with glutamine at codon 1696 of the DST protein (p.Arg1696Gln). The arginine residue is weakly conserved and there is a small physicochemical difference between arginine and glutamine. This variant is not present in population databases (ExAC no frequency). This variant has not been reported in the literature in individuals with DST-related disease. In summary, the available evidence is currently insufficient to determine the role of this variant in disease. Therefore, it has been classified as a Variant of Uncertain Significance.

NM_001723.7(DST):c.5087G>A (p.Arg1696Gln)

Gene: DST (dystonin; minus strand). Cytogenetic location: 6p12.1.
Variant type: single nucleotide variant.
Coding change: c.5087G>A on transcript NM_001723.7 (MANE Plus Clinical); coding-DNA position 5087, G replaced by A.
Protein change: p.Arg1696Gln; replaces arginine 1696 with glutamine.
Molecular consequence: missense variant. On other transcripts: intron variant (10).
Genome position (GRCh38, 1-based): chr6:56,618,947, C>T on the plus strand (G>A on the coding strand, the complement: DST is on the minus strand). VCF-style: chr6-56618947-C-T. GRCh37 (hg19) VCF-style: chr6-56483745-C-T.
Other names: c.4831-4463G>A (NM_001144769.5); c.4930-4463G>A (NM_001374722.1, NM_001374736.1); c.4957-4463G>A (NM_001374734.1); c.4417-4463G>A (NM_001144770.2); c.4297-4463G>A (NM_001374730.1, NM_001386100.1, NM_183380.4 and 1 more transcripts); c.3319-4463G>A (NM_015548.5); short protein forms R1696Q.
Identifiers: ClinVar variation 573232 (VCV000573232.13), dbSNP rs952541821, ClinGen allele CA139209272.